The following is an entry in ClinVar:

ClinVar aggregate classification (germline): Uncertain significance (1 of 4 stars; one submission).

Conditions:
SLC35A2-congenital disorder of glycosylation. Also called: CDG IIm; CONGENITAL DISORDER OF GLYCOSYLATION, TYPE IIm, SOMATIC MOSAIC; CONGENITAL DISORDER OF GLYCOSYLATION, TYPE IIm; EPILEPTIC ENCEPHALOPATHY, EARLY INFANTILE, 22; DEVELOPMENTAL AND EPILEPTIC ENCEPHALOPATHY 22; SLC35A2-CDG. Identifiers: Orphanet 356961, MedGen C3806688, MONDO:0010478, OMIM 300896.

gnomAD v4.1: 3 of 1,207,560 alleles (0.00025%); highest among the groups gnomAD compares: East Asian, 0.003%; no homozygotes.

Submission:

Labcorp Genetics (formerly Invitae), Labcorp
Classification: Uncertain significance for SLC35A2-congenital disorder of glycosylation. Last evaluated: 2024-11-21. Review status: criteria provided, single submitter. Criteria: Invitae Variant Classification Sherloc (09022015). Collection method: clinical testing. Allele origin: germline.
Comment: This sequence change replaces alanine, which is neutral and non-polar, with threonine, which is neutral and polar, at codon 88 of the SLC35A2 protein (p.Ala88Thr). The frequency data for this variant in the population databases is considered unreliable, as metrics indicate poor data quality at this position in the gnomAD database. This variant has not been reported in the literature in individuals affected with SLC35A2-related conditions. Invitae Evidence Modeling of protein sequence and biophysical properties (such as structural, functional, and spatial information, amino acid conservation, physicochemical variation, residue mobility, and thermodynamic stability) indicates that this missense variant is not expected to disrupt SLC35A2 protein function with a negative predictive value of 80%. In summary, the available evidence is currently insufficient to determine the role of this variant in disease. Therefore, it has been classified as a Variant of Uncertain Significance.

NM_005660.3(SLC35A2):c.262G>A (p.Ala88Thr)

Gene: SLC35A2 (solute carrier family 35 member A2; minus strand). Cytogenetic location: Xp11.23.
Variant type: single nucleotide variant.
Coding change: c.262G>A on transcript NM_005660.3 (MANE Select); coding-DNA position 262, G replaced by A.
Protein change: p.Ala88Thr; replaces alanine 88 with threonine.
Molecular consequence: missense variant. On other transcripts: intron variant (1).
Genome position (GRCh38, 1-based): chrX:48,909,826, C>T on the plus strand (G>A on the coding strand, the complement: SLC35A2 is on the minus strand). VCF-style: chrX-48909826-C-T. GRCh37 (hg19) VCF-style: chrX-48767103-C-T.
Other names: c.262G>A, p.Ala88Thr (NM_001032289.3, NM_001042498.3, NM_001282647.2); c.190G>A, p.Ala64Thr (NM_001282648.2); c.301G>A, p.Ala101Thr (NM_001282650.2); c.346G>A, p.Ala116Thr (NM_001282651.2); c.91+1720G>A (NM_001282649.2); short protein forms A101T, A116T, A64T, A88T.
Identifiers: ClinVar variation 3613455 (VCV003613455.2).
Genomic context (GRCh38, chrX:48,909,826, plus strand): 5'-TGGAGTCTCACCCACCGACCCCAGTGCAGCCCCATCCCTGGTTCGTACCCCTCTTCTGTG[C>T]GAAGAGCAGCAGCAGGCAGGTGAGACCTTTGAGCACTTCCGCCATGACCACAGCAGTGGT-3'
Protein context (NP_005651.1, residues 78-98): KGLTCLLLLF[Ala88Thr]QKRGNVKHLV